The following is an entry in ClinVar:

NM_006907.4(PYCR1):c.797G>A (p.Arg266Gln)

Gene: PYCR1 (pyrroline-5-carboxylate reductase 1; minus strand). Cytogenetic location: 17q25.3.
Variant type: single nucleotide variant.
Coding change: c.797G>A on transcript NM_006907.4 (MANE Select); coding-DNA position 797, G replaced by A.
Protein change: p.Arg266Gln; replaces arginine 266 with glutamine.
Molecular consequence: missense variant. On other transcripts: intron variant (1).
Genome position (GRCh38, 1-based): chr17:81,934,326, C>T on the plus strand (G>A on the coding strand, the complement: PYCR1 is on the minus strand). VCF-style: chr17-81934326-C-T. GRCh37 (hg19) VCF-style: chr17-79892202-C-T.
Other names: c.704G>A, p.Arg235Gln (NM_001282279.2); c.797G>A, p.Arg266Gln (NM_001282280.2, NM_153824.3); c.878G>A, p.Arg293Gln (NM_001282281.2); c.633+327G>A (NM_001330523.2); short protein forms R266Q, R235Q, R293Q.
Identifiers: ClinVar variation 13190 (VCV000013190.24), dbSNP rs121918374, ClinGen allele CA122950.

ClinVar aggregate classification (germline): Pathogenic. Review status: criteria provided, multiple submitters, no conflicts (2 of 4 stars). 9 submissions from 9 submitters: Pathogenic (8). 1 of the submissions does not count toward it. Last evaluated 2026-01-12.

Conditions:
Inborn genetic diseases. Identifiers: MedGen C0950123, MeSH D030342.
PYCR1-related disorder. Also called: PYCR1-related condition.
Autosomal recessive cutis laxa type 2B (ARCL2B). Also called: CUTIS LAXA, AUTOSOMAL RECESSIVE, TYPE IIB; CUTIS LAXA WITH PROGEROID FEATURES. Identifiers: Orphanet 357064, MedGen C2751987, MONDO:0013051, OMIM 612940. Disease mechanism: loss of function.
Cutis laxa. Identifiers: Orphanet 209, MedGen C0010495, MONDO:0016175, HP:0000973.

Allele frequency attached by ClinVar (database versions not stated): gnomAD 0.00007; TOPMed 0.00007; gnomAD exomes 0.00008; ExAC 0.00011.

Submissions (11):

Labcorp Genetics (formerly Invitae), Labcorp
Classification: Pathogenic. Last evaluated: 2026-01-12. Review status: criteria provided, single submitter. Criteria: Invitae Variant Classification Sherloc (09022015). Collection method: clinical testing. Allele origin: germline.
Comment: This sequence change replaces arginine, which is basic and polar, with glutamine, which is neutral and polar, at codon 266 of the PYCR1 protein (p.Arg266Gln). This variant is present in population databases (rs121918374, gnomAD 0.01%). This missense change has been observed in individuals with autosomal recessive cutis laxa (PMID: 19576563, 19648921). It has also been observed to segregate with disease in related individuals. ClinVar contains an entry for this variant (Variation ID: 13190). An algorithm developed to predict the effect of missense changes on protein structure and function (PolyPhen-2) suggests that this variant is likely to be tolerated. Algorithms developed to predict the effect of sequence changes on RNA splicing suggest that this variant may disrupt the consensus splice site. For these reasons, this variant has been classified as Pathogenic.

3billion
Classification: Pathogenic for PYCR1-related disorder. Last evaluated: 2025-08-28. Review status: criteria provided, single submitter. Criteria: ACMG Guidelines, 2015. Collection method: clinical testing. Allele origin: germline. Affected: yes.
Comment: The variant is observed at an extremely low frequency in the gnomAD v4.1.0 dataset (total allele frequency: 0.014%). Predicted Consequence/Location: Missense variant: previously reported to alter splicing (PMID: 19576563). Damaging effect on gene or gene product predicted by in silico programs is uncertain [3Cnet: 0.99 (damaging >0.75, benign <0.1)]. In silico tools predict the variant to alter splicing and produce an abnormal transcript [SpliceAI: 0.66 (spliceogenicity >=0.2, non-spliceogenicity <0.1)]. Missense variant: previously reported to alter splicing (PMID: 19576563). Therefore, this variant is classified as Pathogenic according to the recommendation of ACMG/AMP guideline.

Blueprint Genetics
Classification: Pathogenic for PYCR1-related disorders. Last evaluated: 2024-09-10. Review status: criteria provided, single submitter. Criteria: ACMG Guidelines, 2015. Collection method: clinical testing. Allele origin: germline. Affected: yes. Observed: 5 variant alleles.

GeneDx
Classification: Pathogenic. Last evaluated: 2022-02-02. Review status: criteria provided, single submitter. Criteria: GeneDx Variant Classification Process June 2021. Collection method: clinical testing. Allele origin: germline. Affected: yes.
Comment: Observed in 21/279,222 (0.0075%) alleles in large population cohorts (gnomAD); RNA studies demonstrate homozygous individuals have a single smaller RNA band due to skipping of exon 6 and premature termination of the open reading frame, and heterozygous carriers have a mixture of RNA with normal and skipped products (Guernsey et al., 2009); At the protein level, in silico analysis supports that this missense variant does not alter protein structure/function; In silico analysis supports that this missense variant has a deleterious effect on protein structure/function; This variant is associated with the following publications: (PMID: 21431621, 18304158, 19648921, 19576563, 28294978, 26516448, 22052856, 24035636, 31589614)

Women's Health and Genetics/Laboratory Corporation of America, LabCorp
Classification: Pathogenic for Cutis laxa. Last evaluated: 2021-08-30. Review status: criteria provided, single submitter. Criteria: LabCorp Variant Classification Summary - May 2015. Collection method: clinical testing. Allele origin: germline.
Comment: Variant summary: PYCR1 c.797G>A (p.Arg266Gln) results in a conservative amino acid change located in the Pyrroline-5-carboxylate reductase, dimerisation domain (IPR029036) of the encoded protein sequence. Four of five in-silico tools predict a benign effect of the variant on protein function. The variant is located in the exonic splice region that alters the last nucleotide of exon 6 adjacent to the canonical splice donor site. Several computational tools predict a significant impact on normal splicing: Three predict the variant abolishes the canonical 5' splicing donor site. At least one publication reports experimental evidence that this variant affects mRNA splicing by skipping of exon 6 (Guernsey_2009). The variant allele was found at a frequency of 7.7e-05 in 247824 control chromosomes. This frequency is not significantly higher than expected for a pathogenic variant in PYCR1 causing Cutis Laxa - PYCR1 Related (7.7e-05 vs 0.0011), allowing no conclusion about variant significance. c.797G>A has been reported in the literature in multiple individuals affected with autosomal recessive PYCR1 Related Cutis Laxa (example, Guernsey_2009, Dimopoulou_2013, Reversade_2009, Rahmati_2015, Kariminejad_2017). These data indicate that the variant is very likely to be associated with disease. Five clinical diagnostic laboratories have submitted clinical-significance assessments for this variant to ClinVar after 2014 without evidence for independent evaluation. All laboratories classified the variant as pathogenic. Based on the evidence outlined above, the variant was classified as pathogenic.

Equipe Genetique des Anomalies du Developpement, Université de Bourgogne
Classification: Pathogenic for Autosomal recessive cutis laxa type 2B. Last evaluated: 2019-05-16. Review status: criteria provided, single submitter. Criteria: ACMG Guidelines, 2015. Collection method: clinical testing. Allele origin: unknown. Affected: yes.

Illumina Laboratory Services, Illumina
Classification: Pathogenic for Cutis laxa. Last evaluated: 2018-12-19. Review status: criteria provided, single submitter. Criteria: ICSL Variant Classification Criteria 09 May 2019. Collection method: clinical testing. Allele origin: germline.
Comment: Across four different studies, the PYCR1 c.797G>A (p.Arg266Gln) variant was observed in a total of 11 individuals with cutis laxa, including eight homozygotes, two compound heterozygotes, and one proband of unknown zygosity (Reversade et al. 2009, Guernsey et al. 2009, Dimopoulou et al. 2013; Rahmati et al 2015). Family studies confirmed segregation of the p.Arg266Gln variant in a homozygous state with the disease phenotype. Guernsey et al. (2009) also determined the p.Arg266Gln missense variant results in an aberrant splice product which skips exon 6, deleting a conserved functional domain of the protein and generating a frameshift in the downstream exons leading to premature termination. The variant occurs at a highly conserved residue. The highest reported allele frequency was 0.00017 in the European (non-Finnish) population of the Exome Aggregation Consortium. Based on the collective evidence, the p.Arg266Gln variant is classified as pathogenic for autosomal recessive cutis laxa. This variant was observed by ICSL as part of a predisposition screen in an ostensibly healthy population.

Ambry Genetics
Classification: Pathogenic for Inborn genetic diseases. Last evaluated: 2016-10-26. Review status: criteria provided, single submitter. Criteria: Ambry exome assertion method (8-5-2015). Collection method: clinical testing. Allele origin: germline. Affected: yes. Observed: 1 variant allele.

OMIM
Classification: Pathogenic for CUTIS LAXA, AUTOSOMAL RECESSIVE, TYPE IIB. Last evaluated: 2009-09-01. Review status: no assertion criteria provided. Collection method: literature only. Allele origin: germline. Not counted in ClinVar's aggregate classification.

Dr. Peter K. Rogan Lab, Western University
No classification provided (evidence only). Condition: Lung cancer. Review status: no classification provided. Collection method: in vitro. Allele origin: not applicable. Functional consequence: retained intron. Not counted in ClinVar's aggregate classification.

Dr. Peter K. Rogan Lab, Western University
No classification provided (evidence only). Condition: Uterine corpus endometrial carcinoma. Review status: no classification provided. Collection method: in vitro. Allele origin: not applicable. Functional consequence: skipped exon, retained intron. Not counted in ClinVar's aggregate classification.

Literature cited by the submitters: PubMed 19576563 (cited by 4 submitters); PubMed 19648921 (cited by 5 submitters); PubMed 24035636 (cited by Women's Health and Genetics/Laboratory Corporation of America, LabCorp and Illumina Laboratory Services, Illumina); PubMed 33125268 (cited by Women's Health and Genetics/Laboratory Corporation of America, LabCorp); PubMed 28294978 (cited by Women's Health and Genetics/Laboratory Corporation of America, LabCorp); PubMed 26516448 (cited by Women's Health and Genetics/Laboratory Corporation of America, LabCorp and Illumina Laboratory Services, Illumina); PubMed 18304158 (cited by OMIM).